The following is an entry in ClinVar:

NM_001329943.3(KIAA0586):c.3058A>G (p.Met1020Val)

Gene: KIAA0586 (KIAA0586; plus strand). Cytogenetic location: 14q23.1.
Variant type: single nucleotide variant.
Coding change: c.3058A>G on transcript NM_001329943.3 (MANE Select); coding-DNA position 3058, A replaced by G.
Protein change: p.Met1020Val; replaces methionine 1020 with valine.
Molecular consequence: missense variant.
Genome position (GRCh38, 1-based): chr14:58,482,626, A>G. VCF-style: chr14-58482626-A-G. GRCh37 (hg19) VCF-style: chr14-58949344-A-G.
Other names: c.2830A>G (NM_014749.3); c.3217A>G (NM_001244189.1); c.3217A>G, p.Met1073Val (NM_001244189.2); c.3013A>G, p.Met1005Val (NM_001244190.2); c.2803A>G, p.Met935Val (NM_001244191.2, NM_001329945.2, NM_001364700.1 and 1 more transcripts); c.2926A>G, p.Met976Val (NM_001244192.2); c.2638A>G, p.Met880Val (NM_001244193.2); c.3058A>G, p.Met1020Val (NM_001329944.2, NM_001329946.2, NM_001329947.2); and 1 more; short protein forms M1020V, M880V, M944V, M1073V, M935V, M976V, M1005V.
Identifiers: ClinVar variation 1506029 (VCV001506029.9), dbSNP rs767378597, ClinGen allele CA7206048.
Genomic context (GRCh38, chr14:58,482,626, plus strand): 5'-GTGAACTCAAATGTGATTAAACATTTTGTTAACGAAGCTCTTGCTGAGACCATTGCTGTC[A>G]TGCTGGGTGACAGAGAAGCAAAGAAGCAAGGTCCTGTTGCTACAGGTGTTTCTGGGGATG-3'
Protein context (NP_001316872.1, residues 1010-1030): NEALAETIAV[Met1020Val]LGDREAKKQG

ClinVar aggregate classification (germline): Uncertain significance. Review status: criteria provided, multiple submitters, no conflicts (2 of 4 stars). 4 submissions from 4 submitters: Uncertain significance (4). Last evaluated 2025-03-31.

Conditions:
Inborn genetic diseases. Identifiers: MedGen C0950123, MeSH D030342.
Joubert syndrome 23 (JBTS23). Identifiers: Orphanet 475, MedGen C4084822, MONDO:0014664, OMIM 616490.
Short-rib thoracic dysplasia 14 with polydactyly (SRTD14). Identifiers: Orphanet 397715, MedGen C4225286, MONDO:0014688, OMIM 616546.

Submissions (4):

Labcorp Genetics (formerly Invitae), Labcorp
Classification: Uncertain significance for Joubert syndrome 23; Short-rib thoracic dysplasia 14 with polydactyly. Last evaluated: 2025-03-31. Review status: criteria provided, single submitter. Criteria: Invitae Variant Classification Sherloc (09022015). Collection method: clinical testing. Allele origin: germline.
Comment: This sequence change replaces methionine, which is neutral and non-polar, with valine, which is neutral and non-polar, at codon 1073 of the KIAA0586 protein (p.Met1073Val). This variant is present in population databases (rs767378597, gnomAD 0.009%). This variant has not been reported in the literature in individuals affected with KIAA0586-related conditions. ClinVar contains an entry for this variant (Variation ID: 1506029). Invitae Evidence Modeling of protein sequence and biophysical properties (such as structural, functional, and spatial information, amino acid conservation, physicochemical variation, residue mobility, and thermodynamic stability) indicates that this missense variant is expected to disrupt KIAA0586 protein function with a positive predictive value of 80%. In summary, the available evidence is currently insufficient to determine the role of this variant in disease. Therefore, it has been classified as a Variant of Uncertain Significance.

Ambry Genetics
Classification: Uncertain significance for Inborn genetic diseases. Last evaluated: 2023-06-06. Review status: criteria provided, single submitter. Criteria: Ambry Variant Classification Scheme 2023. Collection method: clinical testing. Allele origin: germline.

GeneDx
Classification: Uncertain significance. Last evaluated: 2023-01-17. Review status: criteria provided, single submitter. Criteria: GeneDx Variant Classification Process June 2021. Collection method: clinical testing. Allele origin: germline. Affected: yes.
Comment: In silico analysis supports that this missense variant has a deleterious effect on protein structure/function; Has not been previously published as pathogenic or benign to our knowledge

Blueprint Genetics
Classification: Uncertain significance. Last evaluated: 2019-09-10. Review status: criteria provided, single submitter. Criteria: ACMG Guidelines, 2015. Collection method: clinical testing. Allele origin: germline.